The following is an entry in ClinVar:

NM_004836.7(EIF2AK3):c.3115T>C (p.Phe1039Leu)

Genes: EIF2AK3 (eukaryotic translation initiation factor 2 alpha kinase 3; minus strand), EIF2AK3-AS1 (EIF2AK3 antisense RNA 1; plus strand). Cytogenetic location: 2p11.2.
Variant type: single nucleotide variant.
Coding change: c.3115T>C on transcript NM_004836.7 (MANE Select); coding-DNA position 3115, T replaced by C.
Protein change: p.Phe1039Leu; replaces phenylalanine 1039 with leucine.
Molecular consequence: missense variant.
Genome position (GRCh38, 1-based): chr2:88,558,952, A>G on the plus strand (T>C on the coding strand, the complement: EIF2AK3 is on the minus strand). VCF-style: chr2-88558952-A-G. GRCh37 (hg19) VCF-style: chr2-88858470-A-G.
Other names: c.2662T>C, p.Phe888Leu (NM_001313915.2); short protein forms F1039L, F888L.
Identifiers: ClinVar variation 2104253 (VCV002104253.1), dbSNP rs2529089910, ClinGen allele CA347584346.

ClinVar aggregate classification (germline): Uncertain significance (1 of 4 stars; one submission).

Submission:

Labcorp Genetics (formerly Invitae), Labcorp
Classification: Uncertain significance. Last evaluated: 2022-07-23. Review status: criteria provided, single submitter. Criteria: Invitae Variant Classification Sherloc (09022015). Collection method: clinical testing. Allele origin: germline.
Comment: This sequence change replaces phenylalanine, which is neutral and non-polar, with leucine, which is neutral and non-polar, at codon 1039 of the EIF2AK3 protein (p.Phe1039Leu). This variant is not present in population databases (gnomAD no frequency). This variant has not been reported in the literature in individuals affected with EIF2AK3-related conditions. Algorithms developed to predict the effect of missense changes on protein structure and function (SIFT, PolyPhen-2, Align-GVGD) all suggest that this variant is likely to be tolerated. In summary, the available evidence is currently insufficient to determine the role of this variant in disease. Therefore, it has been classified as a Variant of Uncertain Significance.